The following is an entry in ClinVar:

ClinVar aggregate classification (germline): Uncertain significance (1 of 4 stars; one submission).

Conditions:
Alstrom syndrome (ALMS). Identifiers: Orphanet 64, MedGen C0268425, MONDO:0008763, OMIM 203800.

Allele frequency attached by ClinVar (database versions not stated): gnomAD exomes below 0.00001.
gnomAD v4.1: 1 of 1,614,228 alleles (0.000062%); highest among the groups gnomAD compares: Non-Finnish European, 0.000085%; no homozygotes.

Submission:

Labcorp Genetics (formerly Invitae), Labcorp
Classification: Uncertain significance for Alstrom syndrome. Last evaluated: 2022-08-10. Review status: criteria provided, single submitter. Criteria: Invitae Variant Classification Sherloc (09022015). Collection method: clinical testing. Allele origin: germline.
Comment: In summary, the available evidence is currently insufficient to determine the role of this variant in disease. Therefore, it has been classified as a Variant of Uncertain Significance. Experimental studies and prediction algorithms are not available or were not evaluated, and the functional significance of this variant is currently unknown. ClinVar contains an entry for this variant (Variation ID: 1022528). This variant has not been reported in the literature in individuals affected with ALMS1-related conditions. This variant is not present in population databases (gnomAD no frequency). This sequence change replaces lysine, which is basic and polar, with glutamic acid, which is acidic and polar, at codon 3345 of the ALMS1 protein (p.Lys3345Glu).

NM_001378454.1(ALMS1):c.10030A>G (p.Lys3344Glu)

Gene: ALMS1 (ALMS1 centrosome and basal body associated protein; plus strand). Cytogenetic location: 2p13.1.
Variant type: single nucleotide variant.
Coding change: c.10030A>G on transcript NM_001378454.1 (MANE Select); coding-DNA position 10030, A replaced by G.
Protein change: p.Lys3344Glu; replaces lysine 3344 with glutamic acid.
Molecular consequence: missense variant.
Genome position (GRCh38, 1-based): chr2:73,550,389, A>G. VCF-style: chr2-73550389-A-G. GRCh37 (hg19) VCF-style: chr2-73777516-A-G.
Other names: c.10033A>G, p.Lys3345Glu (NM_015120.4); short protein forms K3344E, K3345E.
Identifiers: ClinVar variation 1022528 (VCV001022528.8), dbSNP rs1674404816, ClinGen allele CA347272410.